The following is an entry in ClinVar:

NM_017797.4(BTBD2):c.408-8C>T

Gene: BTBD2 (BTB domain containing 2; minus strand). Cytogenetic location: 19p13.3.
Variant type: single nucleotide variant.
Coding change: c.408-8C>T on transcript NM_017797.4 (MANE Select); 8 bases into the intron before coding-DNA position 408, C replaced by T.
Molecular consequence: intron variant.
Genome position (GRCh38, 1-based): chr19:1,997,471, G>A on the plus strand (C>T on the coding strand, the complement: BTBD2 is on the minus strand). VCF-style: chr19-1997471-G-A. GRCh37 (hg19) VCF-style: chr19-1997470-G-A.
Identifiers: ClinVar variation 2648957 (VCV002648957.24), dbSNP rs141725644, ClinGen allele CA9056489.

ClinVar aggregate classification (germline): Likely benign (1 of 4 stars; one submission).

Allele frequency attached by ClinVar (database versions not stated): 1000 Genomes Project 0.00160; 1000 Genomes Project 30x 0.00187; TOPMed 0.00331; ESP Exome Variant Server 0.00392; gnomAD 0.00555.
gnomAD v4.1: 7,986 of 1,613,842 alleles (0.49%); highest among the groups gnomAD compares: Non-Finnish European, 0.53%; 34 homozygotes.

Submission:

CeGaT Center for Human Genetics Tuebingen
Classification: Likely benign. Last evaluated: 2023-01-01. Review status: criteria provided, single submitter. Criteria: CeGaT Center For Human Genetics Tuebingen Variant Classification Criteria Version 2. Collection method: clinical testing. Allele origin: germline. Affected: yes. Observed: 1 variant allele.
Comment: BTBD2: BP4, BS2